The following is an entry in ClinVar:

ClinVar aggregate classification (germline): Uncertain significance. Review status: criteria provided, multiple submitters, no conflicts (2 of 4 stars). 2 submissions from 2 submitters: Uncertain significance (2). Last evaluated 2025-07-25.

Conditions:
Cardiovascular phenotype. Identifiers: MedGen CN230736.
Long QT syndrome 6 (LQT6). Identifiers: Orphanet 101016, Orphanet 768, MedGen C3150953, MONDO:0013370, OMIM 613693.

Allele frequency attached by ClinVar (database versions not stated): gnomAD exomes below 0.00001 and 0.00001; TOPMed below 0.00001; ExAC 0.00001; gnomAD 0.00001; ESP Exome Variant Server 0.00008.
gnomAD v4.1: 14 of 1,614,124 alleles (0.00087%); highest among the groups gnomAD compares: African/African-American, 0.0013%; no homozygotes.

Submissions (2):

Ambry Genetics
Classification: Uncertain significance for Cardiovascular phenotype. Last evaluated: 2025-07-25. Review status: criteria provided, single submitter. Criteria: Ambry Variant Classification Scheme 2023. Collection method: clinical testing. Allele origin: germline.
Comment: The p.I57M variant (also known as c.171T>G), located in coding exon 1 of the KCNE2 gene, results from a T to G substitution at nucleotide position 171. The isoleucine at codon 57 is replaced by methionine, an amino acid with highly similar properties. This amino acid position is highly conserved in available vertebrate species. In addition, the in silico prediction for this alteration is inconclusive. The evidence for this gene-disease relationship is limited; therefore, the clinical significance of this alteration is unclear.

Labcorp Genetics (formerly Invitae), Labcorp
Classification: Uncertain significance for Long QT syndrome 6. Last evaluated: 2019-11-18. Review status: criteria provided, single submitter. Criteria: Invitae Variant Classification Sherloc (09022015). Collection method: clinical testing. Allele origin: germline.
Comment: In summary, the available evidence is currently insufficient to determine the role of this variant in disease. Therefore, it has been classified as a Variant of Uncertain Significance. Algorithms developed to predict the effect of missense changes on protein structure and function are either unavailable or do not agree on the potential impact of this missense change (SIFT: "Tolerated"; PolyPhen-2: "Possibly Damaging"; Align-GVGD: "Class C0"). This variant has not been reported in the literature in individuals with KCNE2-related conditions. This variant is present in population databases (rs146053586, ExAC 0.01%). This sequence change replaces isoleucine with methionine at codon 57 of the KCNE2 protein (p.Ile57Met). The isoleucine residue is highly conserved and there is a small physicochemical difference between isoleucine and methionine.

NM_172201.2(KCNE2):c.171T>G (p.Ile57Met)

Genes: KCNE2 (potassium voltage-gated channel subfamily E regulatory subunit 2; plus strand), LOC105372791 (uncharacterized LOC105372791; minus strand). Cytogenetic location: 21q22.11.
Variant type: single nucleotide variant.
Coding change: c.171T>G on transcript NM_172201.2 (MANE Select); coding-DNA position 171, T replaced by G.
Protein change: p.Ile57Met; replaces isoleucine 57 with methionine.
Molecular consequence: missense variant.
Genome position (GRCh38, 1-based): chr21:34,370,649, T>G. VCF-style: chr21-34370649-T-G. GRCh37 (hg19) VCF-style: chr21-35742948-T-G.
Other names: short protein forms I57M.
Identifiers: ClinVar variation 846911 (VCV000846911.11), dbSNP rs146053586, ClinGen allele CA10013418.